The following is an entry in ClinVar:

ClinVar aggregate classification (germline): Uncertain significance. Review status: criteria provided, multiple submitters, no conflicts (2 of 4 stars). 3 submissions from 3 submitters: Uncertain significance (2). 1 of the submissions does not count toward it. Last evaluated 2025-10-22.

Conditions:
Hereditary cancer-predisposing syndrome. Also called: Tumor predisposition; Hereditary Cancer Syndrome; Hereditary neoplastic syndrome; Neoplastic Syndromes, Hereditary. Identifiers: Orphanet 140162, MedGen C0027672, MeSH D009386, MONDO:0015356.
Ataxia-telangiectasia syndrome (AT). Also called: Ataxia telangiectasia (A-T); LOUIS-BAR SYNDROME; Cerebello-oculocutaneous telangiectasia; Immunodeficiency with ataxia telangiectasia; ATAXIA-TELANGIECTASIA, COMPLEMENTATION GROUP A; ATAXIA-TELANGIECTASIA, FRESNO VARIANT. Identifiers: Orphanet 100, MedGen C0004135, MONDO:0008840, OMIM 208900.

Allele frequency attached by ClinVar (database versions not stated): TOPMed 0.00001; gnomAD 0.00002.
gnomAD v4.1: 3 of 1,607,056 alleles (0.00019%); highest among the groups gnomAD compares: African/African-American, 0.004%; no homozygotes.

Submissions (3):

Labcorp Genetics (formerly Invitae), Labcorp
Classification: Uncertain significance for Ataxia-telangiectasia syndrome. Last evaluated: 2025-10-22. Review status: criteria provided, single submitter. Criteria: Invitae Variant Classification Sherloc (09022015). Collection method: clinical testing. Allele origin: germline.
Comment: This sequence change replaces aspartic acid, which is acidic and polar, with glycine, which is neutral and non-polar, at codon 360 of the ATM protein (p.Asp360Gly). This variant is present in population databases (rs775767808, gnomAD 0.008%). This variant has not been reported in the literature in individuals affected with ATM-related conditions. ClinVar contains an entry for this variant (Variation ID: 236666). Invitae Evidence Modeling of protein sequence and biophysical properties (such as structural, functional, and spatial information, amino acid conservation, physicochemical variation, residue mobility, and thermodynamic stability) indicates that this missense variant is not expected to disrupt ATM protein function with a negative predictive value of 95%. RNA analysis performed to evaluate the impact of this missense change on mRNA splicing indicates it does not significantly alter splicing (internal data). In summary, the available evidence is currently insufficient to determine the role of this variant in disease. Therefore, it has been classified as a Variant of Uncertain Significance.

Ambry Genetics
Classification: Uncertain significance for Hereditary cancer-predisposing syndrome. Last evaluated: 2025-04-14. Review status: criteria provided, single submitter. Criteria: Ambry Variant Classification Scheme 2023. Collection method: clinical testing. Allele origin: germline.
Comment: The p.D360G variant (also known as c.1079A>G), located in coding exon 8 of the ATM gene, results from an A to G substitution at nucleotide position 1079. The aspartic acid at codon 360 is replaced by glycine, an amino acid with similar properties. This amino acid position is not well conserved in available vertebrate species. In addition, this alteration is predicted to be tolerated by in silico analysis. Since supporting evidence is limited at this time, the clinical significance of this alteration remains unclear.

Natera, Inc.
Classification: Uncertain significance for Ataxia-telangiectasia. Last evaluated: 2021-05-21. Review status: no assertion criteria provided. Collection method: clinical testing. Allele origin: germline. Not counted in ClinVar's aggregate classification.

NM_000051.4(ATM):c.1079A>G (p.Asp360Gly)

Gene: ATM (ATM serine/threonine kinase; plus strand). Cytogenetic location: 11q22.3.
Variant type: single nucleotide variant.
Coding change: c.1079A>G on transcript NM_000051.4 (MANE Select); coding-DNA position 1079, A replaced by G.
Protein change: p.Asp360Gly; replaces aspartic acid 360 with glycine.
Molecular consequence: missense variant.
Genome position (GRCh38, 1-based): chr11:108,248,946, A>G. VCF-style: chr11-108248946-A-G. GRCh37 (hg19) VCF-style: chr11-108119673-A-G.
Other names: c.1079A>G, p.Asp360Gly (NM_001351834.2); short protein forms D360G.
Identifiers: ClinVar variation 236666 (VCV000236666.17), dbSNP rs775767808, ClinGen allele CA6264761.